The following is an entry in ClinVar:

NM_000557.5(GDF5):c.1406C>G (p.Thr469Arg)

Genes: GDF5 (growth differentiation factor 5; minus strand), GDF5-AS1 (GDF5 antisense RNA 1; plus strand). Cytogenetic location: 20q11.22.
Variant type: single nucleotide variant.
Coding change: c.1406C>G on transcript NM_000557.5 (MANE Select); coding-DNA position 1406, C replaced by G.
Protein change: p.Thr469Arg; replaces threonine 469 with arginine.
Molecular consequence: missense variant. On other transcripts: non-coding transcript variant (1).
Genome position (GRCh38, 1-based): chr20:35,434,009, G>C on the plus strand (C>G on the coding strand, the complement: GDF5 is on the minus strand). VCF-style: chr20-35434009-G-C. GRCh37 (hg19) VCF-style: chr20-34021807-G-C.
Other names: c.1406C>G, p.Thr469Arg (NM_001319138.2); short protein forms T469R.
Identifiers: ClinVar variation 1018868 (VCV001018868.8), dbSNP rs748141103, ClinGen allele CA9832120.

ClinVar aggregate classification (germline): Uncertain significance. Review status: criteria provided, multiple submitters, no conflicts (2 of 4 stars). 2 submissions from 2 submitters: Uncertain significance (2). Last evaluated 2024-07-17.

Allele frequency attached by ClinVar (database versions not stated): gnomAD 0.00003 and 0.00004; ExAC 0.00005; gnomAD exomes 0.00005; TOPMed 0.00006.
gnomAD v4.1: 131 of 1,613,886 alleles (0.0081%); highest among the groups gnomAD compares: Middle Eastern, 0.016%; no homozygotes.

Submissions (2):

Labcorp Genetics (formerly Invitae), Labcorp
Classification: Uncertain significance. Last evaluated: 2024-07-17. Review status: criteria provided, single submitter. Criteria: Invitae Variant Classification Sherloc (09022015). Collection method: clinical testing. Allele origin: germline.
Comment: This sequence change replaces threonine, which is neutral and polar, with arginine, which is basic and polar, at codon 469 of the GDF5 protein (p.Thr469Arg). This variant is present in population databases (rs748141103, gnomAD 0.009%). This variant has not been reported in the literature in individuals affected with GDF5-related conditions. ClinVar contains an entry for this variant (Variation ID: 1018868). Advanced modeling of protein sequence and biophysical properties (such as structural, functional, and spatial information, amino acid conservation, physicochemical variation, residue mobility, and thermodynamic stability) has been performed at Invitae for this missense variant, however the output from this modeling did not meet the statistical confidence thresholds required to predict the impact of this variant on GDF5 protein function. In summary, the available evidence is currently insufficient to determine the role of this variant in disease. Therefore, it has been classified as a Variant of Uncertain Significance.

Blueprint Genetics
Classification: Uncertain significance. Last evaluated: 2023-01-19. Review status: criteria provided, single submitter. Criteria: ACMG Guidelines, 2015. Collection method: clinical testing. Allele origin: germline.